The following is an entry in ClinVar:

ClinVar aggregate classification (germline): Likely benign (0 of 4 stars; one submission).

Conditions:
MMP20-related disorder. Also called: MMP20-related condition.

Allele frequency attached by ClinVar (database versions not stated): gnomAD exomes 0.00012; gnomAD 0.00013; TOPMed 0.00013; ExAC 0.00015.
gnomAD v4.1: 212 of 1,614,132 alleles (0.013%); highest among the groups gnomAD compares: Middle Eastern, 0.13%; no homozygotes.

Submission:

PreventionGenetics, part of Exact Sciences
Classification: Likely benign for MMP20-related condition. Last evaluated: 2019-02-19. Review status: no assertion criteria provided. Collection method: clinical testing. Allele origin: germline.
Comment: This variant is classified as likely benign based on ACMG/AMP sequence variant interpretation guidelines (Richards et al. 2015 PMID: 25741868, with internal and published modifications).

NM_004771.4(MMP20):c.825A>G (p.Val275=)

Gene: MMP20 (matrix metallopeptidase 20; minus strand). Cytogenetic location: 11q22.2.
Variant type: single nucleotide variant.
Coding change: c.825A>G on transcript NM_004771.4 (MANE Select); coding-DNA position 825, A replaced by G.
Protein change: p.Val275=; no amino-acid change (valine 275 retained).
Molecular consequence: synonymous variant.
Genome position (GRCh38, 1-based): chr11:102,606,663, T>C on the plus strand (A>G on the coding strand, the complement: MMP20 is on the minus strand). VCF-style: chr11-102606663-T-C. GRCh37 (hg19) VCF-style: chr11-102477394-T-C.
Identifiers: ClinVar variation 3043140 (VCV003043140.2), dbSNP rs201174058, ClinGen allele CA6248310.